The following is an entry in ClinVar:

NM_006904.7(PRKDC):c.499C>G (p.Pro167Ala)

Gene: PRKDC (protein kinase, DNA-activated, catalytic subunit; minus strand). Cytogenetic location: 8q11.21.
Variant type: single nucleotide variant.
Coding change: c.499C>G on transcript NM_006904.7 (MANE Select); coding-DNA position 499, C replaced by G.
Protein change: p.Pro167Ala; replaces proline 167 with alanine.
Molecular consequence: missense variant.
Genome position (GRCh38, 1-based): chr8:47,954,347, G>C on the plus strand (C>G on the coding strand, the complement: PRKDC is on the minus strand). VCF-style: chr8-47954347-G-C. GRCh37 (hg19) VCF-style: chr8-48866907-G-C.
Other names: c.499C>G, p.Pro167Ala (NM_001081640.2); short protein forms P167A.
Identifiers: ClinVar variation 1744638 (VCV001744638.2), dbSNP rs1295169563, ClinGen allele CA371139011.

ClinVar aggregate classification (germline): Uncertain significance (1 of 4 stars; one submission).

Allele frequency attached by ClinVar (database versions not stated): gnomAD exomes below 0.00001; gnomAD 0.00001.
gnomAD v4.1: 2 of 1,242,396 alleles (0.00016%); highest among the groups gnomAD compares: East Asian, 0.0054%; no homozygotes.

Submission:

Ambry Genetics
Classification: Uncertain significance. Last evaluated: 2022-04-04. Review status: criteria provided, single submitter. Criteria: Ambry Variant Classification Scheme 2023. Collection method: clinical testing. Allele origin: germline.
Comment: The p.P167A variant (also known as c.499C>G), located in coding exon 5 of the PRKDC gene, results from a C to G substitution at nucleotide position 499. The proline at codon 167 is replaced by alanine, an amino acid with highly similar properties. This amino acid position is conserved. In addition, this alteration is predicted to be tolerated by in silico analysis. Since supporting evidence is limited at this time, the clinical significance of this alteration remains unclear.